The following is an entry in ClinVar:

ClinVar aggregate classification (germline): Pathogenic. Review status: criteria provided, multiple submitters, no conflicts (2 of 4 stars). 4 submissions from 4 submitters: Pathogenic (3). 1 of the submissions does not count toward it. Last evaluated 2023-11-16.

Conditions:
KBG syndrome (KBGS). Also called: ANKRD11-Related KBG Syndrome. Identifiers: Orphanet 2332, MedGen C0220687, MONDO:0007846, OMIM 148050.
Global developmental delay (DD). Also called: Cognitive delay. Identifiers: MedGen C0557874, HP:0001263. Disease mechanism: loss of function.
ANKRD11-related disorder. Also called: ANKRD11-related condition.

Submissions (4):

Molecular Genetics and NGS Laboratory, Hospital Fundacion Valle Del Lili
Classification: Pathogenic for KBG syndrome. Last evaluated: 2023-11-16. Review status: criteria provided, single submitter. Criteria: ACMG Guidelines, 2015. Collection method: clinical testing. Allele origin: germline. Affected: yes. Observed: 1 variant allele.
Comment: The variant in affected individuals is heterozygous. Their parents are not carriers. In summary, the variant meets our criteria to be classified as likely pathogenic.

Blueprint Genetics
Classification: Pathogenic for ANKRD11-related disorders. Last evaluated: 2023-09-14. Review status: criteria provided, single submitter. Criteria: ACMG Guidelines, 2015. Collection method: clinical testing. Allele origin: germline. Affected: yes. Observed: 1 variant allele.

Institute for Human Genetics, University Hospital Essen
Classification: Pathogenic for Global developmental delay. Last evaluated: 2021-01-22. Review status: criteria provided, single submitter. Criteria: ACMG Guidelines, 2015. Collection method: research. Allele origin: de novo. Affected: yes.

PreventionGenetics, part of Exact Sciences
Classification: Pathogenic for ANKRD11-related condition. Last evaluated: 2023-10-22. Review status: no assertion criteria provided. Collection method: clinical testing. Allele origin: germline. Not counted in ClinVar's aggregate classification.
Comment: The ANKRD11 c.4218C>A variant is predicted to result in premature protein termination (p.Tyr1406*). This variant was reported de novo in an individual with KBG syndrome (Parenti et al. 2021. PubMed ID: 33955014). This variant has not been reported in a large population database, indicating this variant is rare. Nonsense variants in ANKRD11 are expected to be pathogenic. This variant is interpreted as pathogenic.

Literature cited by the submitters: PubMed 33955014 (cited by Institute for Human Genetics, University Hospital Essen).

NM_013275.6(ANKRD11):c.4218C>A (p.Tyr1406Ter)

Gene: ANKRD11 (ankyrin repeat domain 11; minus strand). Cytogenetic location: 16q24.3.
Variant type: single nucleotide variant.
Coding change: c.4218C>A on transcript NM_013275.6 (MANE Select); coding-DNA position 4218, C replaced by A.
Protein change: p.Tyr1406Ter; replaces tyrosine 1406 with a stop codon.
Molecular consequence: nonsense.
Genome position (GRCh38, 1-based): chr16:89,282,324, G>T on the plus strand (C>A on the coding strand, the complement: ANKRD11 is on the minus strand). VCF-style: chr16-89282324-G-T. GRCh37 (hg19) VCF-style: chr16-89348732-G-T.
Other names: p.Tyr1406Ter; c.4218C>A (NM_013275.5); c.4218C>A, p.Tyr1406Ter (NM_001256182.2, NM_001256183.2); short protein forms Y1406*.
Identifiers: ClinVar variation 995810 (VCV000995810.6), dbSNP rs764501022, ClinGen allele CA397158057.